The following is an entry in ClinVar:

NM_182493.3(MYLK3):c.1916C>A (p.Pro639Gln)

Gene: MYLK3 (myosin light chain kinase 3; minus strand). Cytogenetic location: 16q11.2.
Variant type: single nucleotide variant.
Coding change: c.1916C>A on transcript NM_182493.3 (MANE Select); coding-DNA position 1916, C replaced by A.
Protein change: p.Pro639Gln; replaces proline 639 with glutamine.
Molecular consequence: missense variant.
Genome position (GRCh38, 1-based): chr16:46,721,192, G>T on the plus strand (C>A on the coding strand, the complement: MYLK3 is on the minus strand). VCF-style: chr16-46721192-G-T. GRCh37 (hg19) VCF-style: chr16-46755104-G-T.
Other names: c.893C>A, p.Pro298Gln (NM_001308301.1); short protein forms P298Q, P639Q.
Identifiers: ClinVar variation 2083513 (VCV002083513.4), dbSNP rs192689311, ClinGen allele CA395789180.

ClinVar aggregate classification (germline): Uncertain significance (1 of 4 stars; one submission).

Submission:

Labcorp Genetics (formerly Invitae), Labcorp
Classification: Uncertain significance. Last evaluated: 2023-10-08. Review status: criteria provided, single submitter. Criteria: Invitae Variant Classification Sherloc (09022015). Collection method: clinical testing. Allele origin: germline.
Comment: This sequence change replaces proline, which is neutral and non-polar, with glutamine, which is neutral and polar, at codon 639 of the MYLK3 protein (p.Pro639Gln). This variant is not present in population databases (gnomAD no frequency). This variant has not been reported in the literature in individuals affected with MYLK3-related conditions. ClinVar contains an entry for this variant (Variation ID: 2083513). An algorithm developed to predict the effect of missense changes on protein structure and function (PolyPhen-2) suggests that this variant is likely to be disruptive. Algorithms developed to predict the effect of sequence changes on RNA splicing suggest that this variant may create or strengthen a splice site. In summary, the available evidence is currently insufficient to determine the role of this variant in disease. Therefore, it has been classified as a Variant of Uncertain Significance.